The following is an entry in ClinVar:

ClinVar aggregate classification (germline): Likely benign. Review status: criteria provided, multiple submitters, no conflicts (2 of 4 stars). 2 submissions from 2 submitters: Likely benign (2). Last evaluated 2023-06-26.

Conditions:
Catecholaminergic polymorphic ventricular tachycardia (CVPT). Also called: Catecholamine-induced polymorphic ventricular tachycardia. Identifiers: Orphanet 3286, MedGen C5574922, MONDO:0017990.
Cardiomyopathy (CMYO). Also called: Cardiomyopathies. Identifiers: Orphanet 167848, MedGen C0878544, MONDO:0004994, HP:0001638. Inheritance: Various modes of inheritance.

Submissions (2):

All of Us Research Program, National Institutes of Health
Classification: Likely benign for Catecholaminergic polymorphic ventricular tachycardia. Last evaluated: 2023-06-26. Review status: criteria provided, single submitter. Criteria: ACMG Guidelines, 2015. Collection method: clinical testing. Allele origin: germline. Inheritance: Autosomal dominant inheritance. Observed: 1 variant allele, 1 heterozygote.
Comment: This study involves interpretation of variants in research participants for the purpose of population health screening. Participant phenotype was not available at the time of variant classification. Additional details can be found in publication PMID: 35346344, PMCID: PMC8962531

Color Diagnostics, LLC DBA Color Health
Classification: Likely benign for Cardiomyopathy. Last evaluated: 2022-11-06. Review status: criteria provided, single submitter. Criteria: ACMG Guidelines, 2015. Collection method: clinical testing. Allele origin: germline.

NM_001035.3(RYR2):c.9681C>G (p.Arg3227=)

Gene: RYR2 (ryanodine receptor 2; plus strand). Cytogenetic location: 1q43.
Variant type: single nucleotide variant.
Coding change: c.9681C>G on transcript NM_001035.3 (MANE Select); coding-DNA position 9681, C replaced by G.
Protein change: p.Arg3227=; no amino-acid change (arginine 3227 retained).
Molecular consequence: synonymous variant.
Genome position (GRCh38, 1-based): chr1:237,707,049, C>G. VCF-style: chr1-237707049-C-G. GRCh37 (hg19) VCF-style: chr1-237870349-C-G.
Identifiers: ClinVar variation 3072119 (VCV003072119.2), dbSNP rs2547401889, ClinGen allele CA424031685.
Genomic context (GRCh38, chr1:237,707,049, plus strand): 5'-CATACCGTCTTTGGAGAAACTCATGGAAGAAATCGTGGAATTAGCCGAGTCCGGCATTCG[C>G]TACACTCAAATGCCACATGTCATGGAAGTCATACTGCCCATGCTTTGCAGCTACATGTCT-3'
Protein context (NP_001026.2, residues 3217-3237): EIVELAESGI[Arg3227=]YTQMPHVMEV